The following is an entry in ClinVar:

NM_053025.4(MYLK):c.1651+6T>A

Gene: MYLK (myosin light chain kinase; minus strand). Cytogenetic location: 3q21.1.
Variant type: single nucleotide variant.
Coding change: c.1651+6T>A on transcript NM_053025.4 (MANE Select); 6 bases into the intron after coding-DNA position 1651, T replaced by A.
Molecular consequence: intron variant.
Genome position (GRCh38, 1-based): chr3:123,725,938, A>T on the plus strand (T>A on the coding strand, the complement: MYLK is on the minus strand). VCF-style: chr3-123725938-A-T. GRCh37 (hg19) VCF-style: chr3-123444785-A-T.
Other names: p.?; c.1123+6T>A (NM_001321309.2); c.1444+6T>A (NM_053028.4, NM_053026.4); c.1651+6T>A (NM_053027.4).
Identifiers: ClinVar variation 226756 (VCV000226756.40), dbSNP rs820329, ClinGen allele CA067323.

ClinVar aggregate classification (germline): Benign. Review status: criteria provided, multiple submitters, no conflicts (2 of 4 stars). 13 submissions from 13 submitters: Benign (11). 2 of the submissions do not count toward it. Last evaluated 2026-02-04.

Conditions:
Aortic aneurysm, familial thoracic 7 (AAT7). Also called: AORTIC DISSECTION, FAMILIAL, WITH OR WITHOUT AORTIC ANEURYSM. Identifiers: MedGen C3151077, MONDO:0013418, OMIM 613780.

Allele frequency attached by ClinVar (database versions not stated): 1000 Genomes Project 0.09225; 1000 Genomes Project 30x 0.09260; TOPMed 0.15567; ESP Exome Variant Server 0.17430; gnomAD 0.17955.
gnomAD v4.1: 334,980 of 1,613,104 alleles (21%); highest among the groups gnomAD compares: Non-Finnish European, 24%; 38,752 homozygotes.

Submissions (18):

Labcorp Genetics (formerly Invitae), Labcorp
Classification: Benign for Aortic aneurysm, familial thoracic 7. Last evaluated: 2026-02-04. Review status: criteria provided, single submitter. Criteria: Invitae Variant Classification Sherloc (09022015). Collection method: clinical testing. Allele origin: germline.

ARUP Laboratories, Molecular Genetics and Genomics, ARUP Laboratories
Classification: Benign. Last evaluated: 2025-07-29. Review status: criteria provided, single submitter. Criteria: ARUP Molecular Germline Variant Investigation Process 2024. Collection method: clinical testing. Allele origin: germline.

Molecular Diagnostic Laboratory for Inherited Cardiovascular Disease, Montreal Heart Institute
Classification: Benign. Last evaluated: 2025-04-09. Review status: criteria provided, single submitter. Criteria: ACMG Guidelines, 2015. Collection method: clinical testing. Allele origin: germline. Affected: no.

Blueprint Genetics
Classification: Benign. Last evaluated: 2024-11-26. Review status: criteria provided, single submitter. Criteria: ACMG Guidelines, 2015. Collection method: clinical testing. Allele origin: germline.

Women's Health and Genetics/Laboratory Corporation of America, LabCorp
Classification: Benign. Last evaluated: 2019-08-16. Review status: criteria provided, single submitter. Criteria: LabCorp Variant Classification Summary - May 2015. Collection method: clinical testing. Allele origin: germline.

Illumina Laboratory Services, Illumina
Classification: Benign for Aortic aneurysm, familial thoracic 7. Last evaluated: 2018-01-13. Review status: criteria provided, single submitter. Criteria: ICSL Variant Classification Criteria 13 December 2019. Collection method: clinical testing. Allele origin: germline.
Comment: This variant was observed in the ICSL laboratory as part of a predisposition screen in an ostensibly healthy population. It had not been previously curated by ICSL or reported in the Human Gene Mutation Database (HGMD: prior to June 1st, 2018), and was therefore a candidate for classification through an automated scoring system. Utilizing variant allele frequency, disease prevalence and penetrance estimates, and inheritance mode, an automated score was calculated to assess if this variant is too frequent to cause the disease. Based on the score and internal cut-off values, a variant classified as benign is not then subjected to further curation. The score for this variant resulted in a classification of benign for this disease.

GeneDx
Classification: Benign. Last evaluated: 2016-09-26. Review status: criteria provided, single submitter. Criteria: GeneDx Variant Classification (06012015). Collection method: clinical testing. Allele origin: germline. Affected: yes.
Comment: This variant is considered likely benign or benign based on one or more of the following criteria: it is a conservative change, it occurs at a poorly conserved position in the protein, it is predicted to be benign by multiple in silico algorithms, and/or has population frequency not consistent with disease.

Mayo Clinic Laboratories, Mayo Clinic
Classification: Benign. Last evaluated: 2014-02-26. Review status: criteria provided, single submitter. Criteria: ACMG Guidelines, 2015. Collection method: clinical testing. Allele origin: germline. Observed: 567 variant alleles.

Laboratory for Molecular Medicine, Mass General Brigham Personalized Medicine
Classification: Benign. Last evaluated: 2013-04-04. Review status: criteria provided, single submitter. Criteria: LMM Criteria. Collection method: clinical testing. Allele origin: germline. Observed: 9 variant alleles.
Comment: 1651+6T>A in intron 12 of MYLK: This variant is not expected to have clinical si gnificance because it has been identified in 23.1% (1984/8600) of European Ameri can chromosomes from a broad population by the NHLBI Exome Sequencing Project (dbSNP rs820329).

Breakthrough Genomics
Classification: Benign. Review status: criteria provided, single submitter. Criteria: ACMG Guidelines, 2015. Collection method: not provided. Allele origin: germline. Inheritance: Autosomal recessive inheritance. Affected: yes.

PreventionGenetics, part of Exact Sciences
Classification: Benign. Review status: criteria provided, single submitter. Criteria: ACMG Guidelines, 2015. Collection method: clinical testing. Allele origin: germline.

Clinical Genetics DNA and cytogenetics Diagnostics Lab, Erasmus MC, Erasmus Medical Center
Classification: Benign. Review status: no assertion criteria provided. Collection method: clinical testing. Allele origin: germline. Affected: yes. Study: VKGL Data-share Consensus. Not counted in ClinVar's aggregate classification.

Dr. Peter K. Rogan Lab, Western University
No classification provided (evidence only). Condition: Familial cancer of breast. Review status: no classification provided. Collection method: in vitro. Allele origin: not applicable. Functional consequence: retained intron. Not counted in ClinVar's aggregate classification.

Dr. Peter K. Rogan Lab, Western University
No classification provided (evidence only). Condition: Uterine carcinosarcoma. Review status: no classification provided. Collection method: in vitro. Allele origin: not applicable. Functional consequence: retained intron. Not counted in ClinVar's aggregate classification.

Dr. Peter K. Rogan Lab, Western University
No classification provided (evidence only). Condition: Uterine carcinosarcoma. Review status: no classification provided. Collection method: in vitro. Allele origin: not applicable. Functional consequence: retained intron. Not counted in ClinVar's aggregate classification.

Dr. Peter K. Rogan Lab, Western University
No classification provided (evidence only). Condition: Uterine carcinosarcoma. Review status: no classification provided. Collection method: in vitro. Allele origin: not applicable. Functional consequence: retained intron. Not counted in ClinVar's aggregate classification.

Dr. Peter K. Rogan Lab, Western University
No classification provided (evidence only). Condition: Uterine carcinosarcoma. Review status: no classification provided. Collection method: in vitro. Allele origin: not applicable. Functional consequence: retained intron. Not counted in ClinVar's aggregate classification.

Genome Diagnostics Laboratory, Amsterdam University Medical Center
Classification: Benign. Review status: no assertion criteria provided. Collection method: clinical testing. Allele origin: germline. Affected: yes. Study: VKGL Data-share Consensus. Not counted in ClinVar's aggregate classification.